The following is an entry in ClinVar:

ClinVar aggregate classification (germline): Benign. Review status: criteria provided, multiple submitters, no conflicts (2 of 4 stars). 5 submissions from 3 submitters: Benign (5). Last evaluated 2021-07-10.

Conditions:
Congenital myasthenic syndrome 4B. Also called: Myasthenic syndrome, congenital, 4b, fast-channel. Identifiers: Orphanet 590, MedGen C4225369, MONDO:0014586, OMIM 616324.
Congenital myasthenic syndrome (CMS). Also called: Congenital Myasthenic Syndromes. Identifiers: Orphanet 590, MedGen C0751882, MeSH D020294, MONDO:0018940.
Congenital myasthenic syndrome 4A. Also called: Myasthenic syndrome, congenital, 4a, slow-channel; CONGENITAL MYASTHENIC SYNDROME TYPE Ia1; MYASTHENIC SYNDROME, CONGENITAL, 4A, SLOW-CHANNEL, AUTOSOMAL RECESSIVE. Identifiers: Orphanet 590, MedGen C4225413, MONDO:0011600, OMIM 605809.
Congenital myasthenic syndrome 4C (CMS4C). Also called: Myasthenic syndrome, congenital, associated with acetylcholine receptor deficiency. Identifiers: Orphanet 590, MedGen C1837091, MONDO:0012157, OMIM 608931.

Allele frequency attached by ClinVar (database versions not stated): gnomAD exomes 0.14176; gnomAD 0.17715 and 0.17963; TOPMed 0.18671; 1000 Genomes Project 0.18770; 1000 Genomes Project 30x 0.18785.

Submissions (5):

Genome-Nilou Lab
Classification: Benign for Congenital myasthenic syndrome 4A. Last evaluated: 2021-07-10. Review status: criteria provided, single submitter. Criteria: ACMG Guidelines, 2015. Collection method: clinical testing. Allele origin: germline. Affected: no.

Genome-Nilou Lab
Classification: Benign for Congenital myasthenic syndrome 4B. Last evaluated: 2021-07-10. Review status: criteria provided, single submitter. Criteria: ACMG Guidelines, 2015. Collection method: clinical testing. Allele origin: germline. Affected: no.

Genome-Nilou Lab
Classification: Benign for Congenital myasthenic syndrome 4C. Last evaluated: 2021-07-10. Review status: criteria provided, single submitter. Criteria: ACMG Guidelines, 2015. Collection method: clinical testing. Allele origin: germline. Affected: no.

Illumina Laboratory Services, Illumina
Classification: Benign for Congenital myasthenic syndrome. Last evaluated: 2018-01-12. Review status: criteria provided, single submitter. Criteria: ICSL Variant Classification Criteria 13 December 2019. Collection method: clinical testing. Allele origin: germline.
Comment: This variant was observed in the ICSL laboratory as part of a predisposition screen in an ostensibly healthy population. It had not been previously curated by ICSL or reported in the Human Gene Mutation Database (HGMD: prior to June 1st, 2018), and was therefore a candidate for classification through an automated scoring system. Utilizing variant allele frequency, disease prevalence and penetrance estimates, and inheritance mode, an automated score was calculated to assess if this variant is too frequent to cause the disease. Based on the score and internal cut-off values, a variant classified as benign is not then subjected to further curation. The score for this variant resulted in a classification of benign for this disease.

Breakthrough Genomics
Classification: Benign. Review status: criteria provided, single submitter. Criteria: ACMG Guidelines, 2015. Collection method: not provided. Allele origin: germline. Inheritance: Autosomal recessive inheritance. Affected: yes.

NM_000080.4(CHRNE):c.*61C>T

Gene: CHRNE (cholinergic receptor nicotinic epsilon subunit; minus strand). Cytogenetic location: 17p13.2.
Variant type: single nucleotide variant.
Coding change: c.*61C>T on transcript NM_000080.4 (MANE Select); 61 bases downstream of the stop codon, C replaced by T.
Molecular consequence: 3 prime UTR variant.
Genome position (GRCh38, 1-based): chr17:4,898,675, G>A on the plus strand (C>T on the coding strand, the complement: CHRNE is on the minus strand). VCF-style: chr17-4898675-G-A. GRCh37 (hg19) VCF-style: chr17-4801970-G-A.
Other names: c.*61C>T (LRG_1254t1).
Identifiers: ClinVar variation 323975 (VCV000323975.9), dbSNP rs12940036, ClinGen allele CA10649598.
Genomic context (GRCh38, chr17:4,898,675, plus strand): 5'-AGTTCACAAACTGCAGATTGATCAGCAGGGGGAAGGGATCATAATGCCGTGGTGGCGGCA[G>A]CCTACTTTTTCAAAATCAATTTCCTACTGGAGATGGGTGGGAAATTGAAGTCGGTGCGAG-3'